The following is an entry in ClinVar:

NM_182914.3(SYNE2):c.13583A>C (p.Asn4528Thr)

Gene: SYNE2 (spectrin repeat containing nuclear envelope protein 2; plus strand). Cytogenetic location: 14q23.2.
Variant type: single nucleotide variant.
Coding change: c.13583A>C on transcript NM_182914.3 (MANE Select); coding-DNA position 13583, A replaced by C.
Protein change: p.Asn4528Thr; replaces asparagine 4528 with threonine.
Molecular consequence: missense variant.
Genome position (GRCh38, 1-based): chr14:64,126,355, A>C. VCF-style: chr14-64126355-A-C. GRCh37 (hg19) VCF-style: chr14-64593073-A-C.
Other names: c.13583A>C, p.Asn4528Thr (NM_015180.6); short protein forms N4528T.
Identifiers: ClinVar variation 2805585 (VCV002805585.3), dbSNP rs774319114, ClinGen allele CA389969620.

ClinVar aggregate classification (germline): Uncertain significance (1 of 4 stars; one submission).

Conditions:
Emery-Dreifuss muscular dystrophy 5, autosomal dominant (EDMD5). Also called: EMERY-DREIFUSS MUSCULAR DYSTROPHY 5. Identifiers: Orphanet 261, MedGen C2751805, MONDO:0013072, OMIM 612999.

gnomAD v4.1: 1 of 1,614,068 alleles (0.000062%); no homozygotes.

Submission:

Labcorp Genetics (formerly Invitae), Labcorp
Classification: Uncertain significance for Emery-Dreifuss muscular dystrophy 5, autosomal dominant. Last evaluated: 2023-11-01. Review status: criteria provided, single submitter. Criteria: Invitae Variant Classification Sherloc (09022015). Collection method: clinical testing. Allele origin: germline.
Comment: This sequence change replaces asparagine, which is neutral and polar, with threonine, which is neutral and polar, at codon 4528 of the SYNE2 protein (p.Asn4528Thr). This variant is not present in population databases (gnomAD no frequency). This variant has not been reported in the literature in individuals affected with SYNE2-related conditions. An algorithm developed to predict the effect of missense changes on protein structure and function (PolyPhen-2) suggests that this variant is likely to be tolerated. In summary, the available evidence is currently insufficient to determine the role of this variant in disease. Therefore, it has been classified as a Variant of Uncertain Significance.